The following is an entry in ClinVar:

NM_001002295.2(GATA3):c.-58C>T

Gene: GATA3 (GATA binding protein 3; plus strand). Cytogenetic location: 10p14.
Variant type: single nucleotide variant.
Coding change: c.-58C>T on transcript NM_001002295.2 (MANE Select); 58 bases upstream of the start codon, C replaced by T.
Molecular consequence: 5 prime UTR variant.
Genome position (GRCh38, 1-based): chr10:8,055,598, C>T. VCF-style: chr10-8055598-C-T. GRCh37 (hg19) VCF-style: chr10-8097561-C-T.
Other names: c.-58C>T (NM_002051.3).
Identifiers: ClinVar variation 301114 (VCV000301114.7), dbSNP rs412359, ClinGen allele CA10636156.
Genomic context (GRCh38, chr10:8,055,598, plus strand): 5'-CATTCAACGACCCCCGACCCTCCGACGGCAGGAGCCCCCCGACCTCCCAGGCGGACCGCC[C>T]TCCCTCCCCGCGCGCGGGTTCCGGGCCCGGCGAGAGGGCGCGAGCACAGCCGAGGCCATG-3'

ClinVar aggregate classification (germline): Benign. Review status: criteria provided, multiple submitters, no conflicts (2 of 4 stars). 3 submissions from 3 submitters: Benign (3). Last evaluated 2018-06-16.

Conditions:
Hypoparathyroidism, deafness, renal disease syndrome (HDRS). Also called: HYPOPARATHYROIDISM, SENSORINEURAL DEAFNESS, AND RENAL DYSPLASIA SYNDROME. Identifiers: Orphanet 2237, MedGen C1840333, MONDO:0007797, OMIM 146255.

Allele frequency attached by ClinVar (database versions not stated): gnomAD exomes 0.00327; gnomAD 0.03619; TOPMed 0.03730; 1000 Genomes Project 0.03974; 1000 Genomes Project 30x 0.04263.
gnomAD v4.1: 9,881 of 1,532,416 alleles (0.64%); highest among the groups gnomAD compares: African/African-American, 12%; 492 homozygotes.

Submissions (3):

GeneDx
Classification: Benign. Last evaluated: 2018-06-16. Review status: criteria provided, single submitter. Criteria: GeneDx Variant Classification (06012015). Collection method: clinical testing. Allele origin: germline. Affected: yes.
Comment: This variant is considered likely benign or benign based on one or more of the following criteria: it is a conservative change, it occurs at a poorly conserved position in the protein, it is predicted to be benign by multiple in silico algorithms, and/or has population frequency not consistent with disease.

Illumina Laboratory Services, Illumina
Classification: Benign for Hypoparathyroidism, deafness, renal disease syndrome. Last evaluated: 2018-01-12. Review status: criteria provided, single submitter. Criteria: ICSL Variant Classification Criteria 13 December 2019. Collection method: clinical testing. Allele origin: germline.
Comment: This variant was observed in the ICSL laboratory as part of a predisposition screen in an ostensibly healthy population. It had not been previously curated by ICSL or reported in the Human Gene Mutation Database (HGMD: prior to June 1st, 2018), and was therefore a candidate for classification through an automated scoring system. Utilizing variant allele frequency, disease prevalence and penetrance estimates, and inheritance mode, an automated score was calculated to assess if this variant is too frequent to cause the disease. Based on the score and internal cut-off values, a variant classified as benign is not then subjected to further curation. The score for this variant resulted in a classification of benign for this disease.

Breakthrough Genomics
Classification: Benign. Review status: criteria provided, single submitter. Criteria: ACMG Guidelines, 2015. Collection method: not provided. Allele origin: germline. Inheritance: Autosomal dominant inheritance. Affected: yes.